The following is an entry in ClinVar:

ClinVar aggregate classification (germline): Uncertain significance (1 of 4 stars; one submission).

Conditions:
Cardiovascular phenotype. Identifiers: MedGen CN230736.

gnomAD v4.1: 1 of 1,611,916 alleles (0.000062%); highest among the groups gnomAD compares: East Asian, 0.0022%; no homozygotes.

Submission:

Ambry Genetics
Classification: Uncertain significance for Cardiovascular phenotype. Last evaluated: 2025-07-13. Review status: criteria provided, single submitter. Criteria: Ambry Variant Classification Scheme 2023. Collection method: clinical testing. Allele origin: germline.
Comment: The p.L484P variant (also known as c.1451T>C), located in coding exon 9 of the PCSK9 gene, results from a T to C substitution at nucleotide position 1451. The leucine at codon 484 is replaced by proline, an amino acid with similar properties. This amino acid position is conserved. In addition, the in silico prediction for this alteration is inconclusive. Based on the available evidence, the clinical significance of this variant remains unclear.

NM_174936.4(PCSK9):c.1451T>C (p.Leu484Pro)

Gene: PCSK9 (proprotein convertase subtilisin/kexin type 9; plus strand). Cytogenetic location: 1p32.3.
Variant type: single nucleotide variant.
Coding change: c.1451T>C on transcript NM_174936.4 (MANE Select); coding-DNA position 1451, T replaced by C.
Protein change: p.Leu484Pro; replaces leucine 484 with proline.
Molecular consequence: missense variant. On other transcripts: non-coding transcript variant (8), intron variant (1).
Genome position (GRCh38, 1-based): chr1:55,058,595, T>C. VCF-style: chr1-55058595-T-C. GRCh37 (hg19) VCF-style: chr1-55524268-T-C.
Other names: c.1574T>C, p.Leu525Pro (NM_001407240.1); c.1451T>C, p.Leu484Pro (NM_001407241.1); c.1454T>C, p.Leu485Pro (NM_001407242.1); c.1394T>C, p.Leu465Pro (NM_001407243.1); c.1277T>C, p.Leu426Pro (NM_001407244.1); c.1259T>C, p.Leu420Pro (NM_001407245.1); c.1076T>C, p.Leu359Pro (NM_001407246.1); c.1180+1081T>C (NM_001407247.1); short protein forms L426P, L465P, L484P, L420P, L485P, L525P, L359P.
Identifiers: ClinVar variation 4133485 (VCV004133485.1).